The following is an entry in ClinVar:

ClinVar aggregate classification (germline): Uncertain significance (1 of 4 stars; one submission).

Conditions:
Primary ciliary dyskinesia. Also called: Ciliary dyskinesia. Identifiers: Orphanet 244, MedGen C0008780, MONDO:0016575, HP:0012265.

Allele frequency attached by ClinVar (database versions not stated): ExAC 0.00001; TOPMed 0.00002.
gnomAD v4.1: 21 of 1,614,030 alleles (0.0013%); highest among the groups gnomAD compares: Admixed American, 0.005%; no homozygotes.

Submission:

Labcorp Genetics (formerly Invitae), Labcorp
Classification: Uncertain significance for Primary ciliary dyskinesia. Last evaluated: 2022-08-05. Review status: criteria provided, single submitter. Criteria: Invitae Variant Classification Sherloc (09022015). Collection method: clinical testing. Allele origin: germline.
Comment: This sequence change replaces alanine, which is neutral and non-polar, with threonine, which is neutral and polar, at codon 519 of the DNAAF3 protein (p.Ala519Thr). This variant is present in population databases (rs546293010, gnomAD 0.006%). This variant has not been reported in the literature in individuals affected with DNAAF3-related conditions. Algorithms developed to predict the effect of missense changes on protein structure and function are either unavailable or do not agree on the potential impact of this missense change (SIFT: "Tolerated"; PolyPhen-2: "Possibly Damaging"; Align-GVGD: "Class C0"). In summary, the available evidence is currently insufficient to determine the role of this variant in disease. Therefore, it has been classified as a Variant of Uncertain Significance.

NM_001256715.2(DNAAF3):c.1354G>A (p.Ala452Thr)

Genes: DNAAF3-AS1 (DNAAF3 antisense RNA 1; plus strand), DNAAF3 (dynein axonemal assembly factor 3; minus strand). Cytogenetic location: 19q13.42.
Variant type: single nucleotide variant.
Coding change: c.1354G>A on transcript NM_001256715.2 (MANE Select); coding-DNA position 1354, G replaced by A.
Protein change: p.Ala452Thr; replaces alanine 452 with threonine.
Molecular consequence: missense variant.
Genome position (GRCh38, 1-based): chr19:55,159,334, C>T on the plus strand (G>A on the coding strand, the complement: DNAAF3 is on the minus strand). VCF-style: chr19-55159334-C-T. GRCh37 (hg19) VCF-style: chr19-55670702-C-T.
Other names: c.1555G>A, p.Ala519Thr (NM_001256714.1); c.1192G>A, p.Ala398Thr (NM_001256716.2); c.1495G>A, p.Ala499Thr (NM_178837.4); short protein forms A398T, A452T, A499T, A519T.
Identifiers: ClinVar variation 2040435 (VCV002040435.1), dbSNP rs546293010, ClinGen allele CA9667798.